The following is an entry in ClinVar:

NM_001282534.2(KCNK9):c.80A>C (p.Asp27Ala)

Genes: KCNK9 (potassium two pore domain channel subfamily K member 9; minus strand), LOC124188239 (Sharpr-MPRA regulatory region 3867; plus strand). Cytogenetic location: 8q24.3.
Variant type: single nucleotide variant.
Coding change: c.80A>C on transcript NM_001282534.2 (MANE Select); coding-DNA position 80, A replaced by C.
Protein change: p.Asp27Ala; replaces aspartic acid 27 with alanine.
Molecular consequence: missense variant. On other transcripts: non-coding transcript variant (1).
Genome position (GRCh38, 1-based): chr8:139,702,913, T>G on the plus strand (A>C on the coding strand, the complement: KCNK9 is on the minus strand). VCF-style: chr8-139702913-T-G. GRCh37 (hg19) VCF-style: chr8-140715156-T-G.
Other names: c.80A>C, p.Asp27Ala (NM_016601.2); short protein forms D27A.
Identifiers: ClinVar variation 2429488 (VCV002429488.1), dbSNP rs2488460178, ClinGen allele CA372732107.

ClinVar aggregate classification (germline): Uncertain significance (1 of 4 stars; one submission).

Allele frequency attached by ClinVar (database versions not stated): gnomAD exomes below 0.00001.
gnomAD v4.1: 1 of 1,613,068 alleles (0.000062%); highest among the groups gnomAD compares: Non-Finnish European, 0.000085%; no homozygotes.

Submission:

GeneDx
Classification: Uncertain significance. Last evaluated: 2022-08-11. Review status: criteria provided, single submitter. Criteria: GeneDx Variant Classification Process June 2021. Collection method: clinical testing. Allele origin: germline. Affected: yes.
Comment: Not observed at significant frequency in large population cohorts (gnomAD); In silico analysis supports that this missense variant has a deleterious effect on protein structure/function; Has not been previously published as pathogenic or benign to our knowledge